The following is an entry in ClinVar:

NM_016239.4(MYO15A):c.3551C>A (p.Ala1184Asp)

Gene: MYO15A (myosin XVA; plus strand). Cytogenetic location: 17p11.2.
Variant type: single nucleotide variant.
Coding change: c.3551C>A on transcript NM_016239.4 (MANE Select); coding-DNA position 3551, C replaced by A.
Protein change: p.Ala1184Asp; replaces alanine 1184 with aspartic acid.
Molecular consequence: missense variant.
Genome position (GRCh38, 1-based): chr17:18,122,351, C>A. VCF-style: chr17-18122351-C-A. GRCh37 (hg19) VCF-style: chr17-18025665-C-A.
Other names: short protein forms A1184D.
Identifiers: ClinVar variation 1514470 (VCV001514470.7), dbSNP rs368083374, ClinGen allele CA8423483.

ClinVar aggregate classification (germline): Uncertain significance. Review status: criteria provided, multiple submitters, no conflicts (2 of 4 stars). 3 submissions from 3 submitters: Uncertain significance (3). Last evaluated 2025-06-27.

Conditions:
MYO15A-related disorder. Also called: MYO15A-related condition.

Allele frequency attached by ClinVar (database versions not stated): gnomAD exomes below 0.00001; ExAC 0.00001; TOPMed 0.00005.
gnomAD v4.1: 30 of 1,612,816 alleles (0.0019%); highest among the groups gnomAD compares: African/African-American, 0.024%; no homozygotes.

Submissions (3):

PreventionGenetics, part of Exact Sciences
Classification: Uncertain significance for MYO15A-related condition. Last evaluated: 2025-06-27. Review status: criteria provided, single submitter. Criteria: ACMG Guidelines, 2015. Collection method: clinical testing. Allele origin: germline.
Comment: The MYO15A c.3551C>A variant is predicted to result in the amino acid substitution p.Ala1184Asp. To our knowledge, this variant has not been reported in the literature. This variant is reported in 0.00091% of alleles in individuals of European (Non-Finnish) descent in gnomAD. At this time, the clinical significance of this variant is uncertain due to the absence of conclusive functional and genetic evidence.

Labcorp Genetics (formerly Invitae), Labcorp
Classification: Uncertain significance. Last evaluated: 2024-08-29. Review status: criteria provided, single submitter. Criteria: Invitae Variant Classification Sherloc (09022015). Collection method: clinical testing. Allele origin: germline.
Comment: This sequence change replaces alanine, which is neutral and non-polar, with aspartic acid, which is acidic and polar, at codon 1184 of the MYO15A protein (p.Ala1184Asp). This variant is present in population databases (rs368083374, gnomAD 0.0009%). This variant has not been reported in the literature in individuals affected with MYO15A-related conditions. ClinVar contains an entry for this variant (Variation ID: 1514470). Invitae Evidence Modeling of protein sequence and biophysical properties (such as structural, functional, and spatial information, amino acid conservation, physicochemical variation, residue mobility, and thermodynamic stability) indicates that this missense variant is not expected to disrupt MYO15A protein function with a negative predictive value of 95%. In summary, the available evidence is currently insufficient to determine the role of this variant in disease. Therefore, it has been classified as a Variant of Uncertain Significance.

GeneDx
Classification: Uncertain significance. Last evaluated: 2022-01-24. Review status: criteria provided, single submitter. Criteria: GeneDx Variant Classification Process June 2021. Collection method: clinical testing. Allele origin: germline. Affected: yes.
Comment: Not observed at significant frequency in large population cohorts (gnomAD); In silico analysis supports that this missense variant does not alter protein structure/function; Has not been previously published as pathogenic or benign to our knowledge